The following is an entry in ClinVar:

ClinVar aggregate classification (germline): Uncertain significance (1 of 4 stars; one submission).

Allele frequency attached by ClinVar (database versions not stated): gnomAD exomes below 0.00001; ExAC 0.00001.

Submission:

Labcorp Genetics (formerly Invitae), Labcorp
Classification: Uncertain significance. Last evaluated: 2024-03-25. Review status: criteria provided, single submitter. Criteria: Invitae Variant Classification Sherloc (09022015). Collection method: clinical testing. Allele origin: germline.
Comment: This sequence change falls in intron 10 of the KIF20A gene. It does not directly change the encoded amino acid sequence of the KIF20A protein. It affects a nucleotide within the consensus splice site. This variant is present in population databases (rs777236976, gnomAD 0.0009%). This variant has not been reported in the literature in individuals affected with KIF20A-related conditions. Variants that disrupt the consensus splice site are a relatively common cause of aberrant splicing (PMID: 17576681, 9536098). Algorithms developed to predict the effect of sequence changes on RNA splicing suggest that this variant may disrupt the consensus splice site. In summary, the available evidence is currently insufficient to determine the role of this variant in disease. Therefore, it has been classified as a Variant of Uncertain Significance.

Literature cited by the submitters: PubMed 17576681; PubMed 9536098.

NM_005733.3(KIF20A):c.1208+2dup

Gene: KIF20A (kinesin family member 20A; plus strand). Cytogenetic location: 5q31.2.
Variant type: Duplication.
Coding change: c.1208+2dup on transcript NM_005733.3 (MANE Select); the canonical splice donor site of the intron after coding-DNA position 1208, one base duplicated (T; older notation c.1208+2dupT).
Molecular consequence: splice donor variant.
Genome position (GRCh38, 1-based): chr5:138,183,758, T duplicated. VCF-style (leftmost placement, unchanged base first): chr5-138183757-G-GT. GRCh37 (hg19) VCF-style: chr5-137519446-G-GT.
Identifiers: ClinVar variation 3000240 (VCV003000240.3), dbSNP rs777236976, ClinGen allele CA3426536.
Genomic context (GRCh38, chr5:138,183,757, plus strand): 5'-CTTCTCAATCAGGATCCTACACCTTCAGGGGGAAGGAGATATAGTCCCCAAGATCAGCGA[G>GT]TAAGTTTATCCATTTAGAAATTTGGGCTTCTTGGCCATAAATGATAGTTGGGAAAGCATG-3'